The following is an entry in ClinVar:

NM_001903.5(CTNNA1):c.970T>C (p.Cys324Arg)

Gene: CTNNA1 (catenin alpha 1; plus strand). Cytogenetic location: 5q31.2.
Variant type: single nucleotide variant.
Coding change: c.970T>C on transcript NM_001903.5 (MANE Select); coding-DNA position 970, T replaced by C.
Protein change: p.Cys324Arg; replaces cysteine 324 with arginine.
Molecular consequence: missense variant.
Genome position (GRCh38, 1-based): chr5:138,827,626, T>C. VCF-style: chr5-138827626-T-C. GRCh37 (hg19) VCF-style: chr5-138163315-T-C.
Other names: c.970T>C (NM_001903.2); c.970T>C, p.Cys324Arg (NM_001290307.3, NM_001323982.2, NM_001323983.1 and 3 more transcripts); c.661T>C, p.Cys221Arg (NM_001290309.3); c.601T>C, p.Cys201Arg (NM_001290310.3); short protein forms C324R, C221R, C201R.
Identifiers: ClinVar variation 1505833 (VCV001505833.9), dbSNP rs2149785815, ClinGen allele CA361131017.

ClinVar aggregate classification (germline): Uncertain significance. Review status: criteria provided, multiple submitters, no conflicts (2 of 4 stars). 2 submissions from 2 submitters: Uncertain significance (2). Last evaluated 2025-11-04.

Conditions:
Hereditary cancer-predisposing syndrome. Also called: Hereditary neoplastic syndrome; Tumor predisposition; Neoplastic Syndromes, Hereditary; Hereditary Cancer Syndrome. Identifiers: Orphanet 140162, MedGen C0027672, MeSH D009386, MONDO:0015356.

Submissions (2):

Ambry Genetics
Classification: Uncertain significance for Hereditary cancer-predisposing syndrome. Last evaluated: 2025-11-04. Review status: criteria provided, single submitter. Criteria: Ambry Variant Classification Scheme 2023. Collection method: clinical testing. Allele origin: germline.
Comment: The p.C324R variant (also known as c.970T>C), located in coding exon 6 of the CTNNA1 gene, results from a T to C substitution at nucleotide position 970. The cysteine at codon 324 is replaced by arginine, an amino acid with highly dissimilar properties. This amino acid position is highly conserved in available vertebrate species. In addition, the in silico prediction for this alteration is inconclusive. Based on the available evidence, the clinical significance of this variant remains unclear.

Labcorp Genetics (formerly Invitae), Labcorp
Classification: Uncertain significance. Last evaluated: 2024-06-04. Review status: criteria provided, single submitter. Criteria: Invitae Variant Classification Sherloc (09022015). Collection method: clinical testing. Allele origin: germline.
Comment: This sequence change replaces cysteine, which is neutral and slightly polar, with arginine, which is basic and polar, at codon 324 of the CTNNA1 protein (p.Cys324Arg). This variant is not present in population databases (gnomAD no frequency). This variant has not been reported in the literature in individuals affected with CTNNA1-related conditions. ClinVar contains an entry for this variant (Variation ID: 1505833). Advanced modeling of protein sequence and biophysical properties (such as structural, functional, and spatial information, amino acid conservation, physicochemical variation, residue mobility, and thermodynamic stability) performed at Invitae indicates that this missense variant is expected to disrupt CTNNA1 protein function with a positive predictive value of 80%. In summary, the available evidence is currently insufficient to determine the role of this variant in disease. Therefore, it has been classified as a Variant of Uncertain Significance.